The following is an entry in ClinVar:

NM_001004334.4(GPR179):c.5119T>A (p.Trp1707Arg)

Gene: GPR179 (G protein-coupled receptor 179; minus strand). Cytogenetic location: 17q12.
Variant type: single nucleotide variant.
Coding change: c.5119T>A on transcript NM_001004334.4 (MANE Select); coding-DNA position 5119, T replaced by A.
Protein change: p.Trp1707Arg; replaces tryptophan 1707 with arginine.
Molecular consequence: missense variant.
Genome position (GRCh38, 1-based): chr17:38,328,450, A>T on the plus strand (T>A on the coding strand, the complement: GPR179 is on the minus strand). VCF-style: chr17-38328450-A-T. GRCh37 (hg19) VCF-style: chr17-36484333-A-T.
Other names: short protein forms W1707R.
Identifiers: ClinVar variation 1506363 (VCV001506363.8), dbSNP rs769294419, ClinGen allele CA290103751.

ClinVar aggregate classification (germline): Uncertain significance (1 of 4 stars; one submission).

Allele frequency attached by ClinVar (database versions not stated): ExAC 0.00001; gnomAD exomes 0.00001.

Submission:

Labcorp Genetics (formerly Invitae), Labcorp
Classification: Uncertain significance. Last evaluated: 2022-08-31. Review status: criteria provided, single submitter. Criteria: Invitae Variant Classification Sherloc (09022015). Collection method: clinical testing. Allele origin: germline.
Comment: In summary, the available evidence is currently insufficient to determine the role of this variant in disease. Therefore, it has been classified as a Variant of Uncertain Significance. Algorithms developed to predict the effect of missense changes on protein structure and function are either unavailable or do not agree on the potential impact of this missense change (SIFT: "Deleterious"; PolyPhen-2: "Probably Damaging"; Align-GVGD: "Class C0"). ClinVar contains an entry for this variant (Variation ID: 1506363). This variant has not been reported in the literature in individuals affected with GPR179-related conditions. This variant is present in population databases (rs769294419, gnomAD 0.006%). This sequence change replaces tryptophan, which is neutral and slightly polar, with arginine, which is basic and polar, at codon 1707 of the GPR179 protein (p.Trp1707Arg).